The following is an entry in ClinVar:

NM_182919.4(TICAM1):c.113del (p.Gln38fs)

Gene: TICAM1 (TIR domain containing adaptor molecule 1; minus strand). Cytogenetic location: 19p13.3.
Variant type: Deletion.
Coding change: c.113del on transcript NM_182919.4 (MANE Select); coding-DNA position 113, one base deleted (A; older notation c.113delA).
Protein change: p.Gln38fs; shifts the reading frame from glutamine 38.
Molecular consequence: frameshift variant. On other transcripts: intron variant (1), 5 prime UTR variant (1).
Genome position (GRCh38, 1-based): chr19:4,818,265, T deleted on the plus strand (A on the coding strand, the reverse complement: TICAM1 is on the minus strand). VCF-style (leftmost placement, unchanged base first): chr19-4818264-CT-C. GRCh37 (hg19) VCF-style: chr19-4818276-CT-C.
Other names: c.-72+119del (NM_001385680.1); c.71del, p.Gln24fs (NM_001385678.1); c.-23del (NM_001385679.1); short protein forms Q38fs, Q24fs.
Identifiers: ClinVar variation 1992691 (VCV001992691.4), dbSNP rs1249073197, ClinGen allele CA631577257.

ClinVar aggregate classification (germline): Uncertain significance (1 of 4 stars; one submission).

Conditions:
Encephalopathy, acute, infection-induced (herpes-specific), susceptibility to, 6. Also called: Herpes simplex encephalitis, susceptibility to, 4. Identifiers: Orphanet 1930, MedGen C3553869, MONDO:0013921, OMIM 614850.

Allele frequency attached by ClinVar (database versions not stated): gnomAD exomes below 0.00001.

Submission:

Labcorp Genetics (formerly Invitae), Labcorp
Classification: Uncertain significance for Encephalopathy, acute, infection-induced (herpes-specific), susceptibility to, 6. Last evaluated: 2025-11-03. Review status: criteria provided, single submitter. Criteria: Invitae Variant Classification Sherloc (09022015). Collection method: clinical testing. Allele origin: germline.
Comment: This sequence change creates a premature translational stop signal (p.Gln38Argfs*12) in the TICAM1 gene. While this is not anticipated to result in nonsense mediated decay, it is expected to disrupt the last 675 amino acid(s) of the TICAM1 protein. This variant is present in population databases (no rsID available, gnomAD 0.003%). This variant has not been reported in the literature in individuals affected with TICAM1-related conditions. ClinVar contains an entry for this variant (Variation ID: 1992691). Experimental studies and prediction algorithms are not available or were not evaluated, and the functional significance of this variant is currently unknown. In summary, the available evidence is currently insufficient to determine the role of this variant in disease. Therefore, it has been classified as a Variant of Uncertain Significance.